The following is an entry in ClinVar:

NM_000059.4(BRCA2):c.1917G>T (p.Leu639Phe)

Gene: BRCA2 (BRCA2 DNA repair associated; plus strand). Cytogenetic location: 13q13.1.
Variant type: single nucleotide variant.
Coding change: c.1917G>T on transcript NM_000059.4 (MANE Select); coding-DNA position 1917, G replaced by T.
Protein change: p.Leu639Phe; replaces leucine 639 with phenylalanine.
Molecular consequence: missense variant.
Genome position (GRCh38, 1-based): chr13:32,336,272, G>T. VCF-style: chr13-32336272-G-T. GRCh37 (hg19) VCF-style: chr13-32910409-G-T.
Other names: c.1917G>T (NM_000059.3); short protein forms L639F.
Identifiers: ClinVar variation 1492455 (VCV001492455.10), dbSNP rs779226644, ClinGen allele CA387768236.

ClinVar aggregate classification (germline): Conflicting classifications of pathogenicity. Review status: criteria provided, conflicting classifications (1 of 4 stars). 3 submissions from 3 submitters: Uncertain significance (1); Likely benign (2). Last evaluated 2026-05-04.

Conditions:
Hereditary breast ovarian cancer syndrome. Also called: Hereditary breast and ovarian cancer; Breast and ovarian cancer; Hereditary breast and/or ovarian cancer syndrome; Hereditary breast and ovarian cancer syndrome; Hereditary breast and ovarian cancer syndrome (HBOC); BRCA1- and BRCA2-Associated Hereditary Breast and Ovarian Cancer. Identifiers: Orphanet 145, MedGen C0677776, MeSH D061325, MONDO:0003582. Disease mechanism: loss of function.
Hereditary cancer-predisposing syndrome. Also called: Tumor predisposition; Neoplastic Syndromes, Hereditary; Hereditary Cancer Syndrome; Hereditary neoplastic syndrome. Identifiers: Orphanet 140162, MedGen C0027672, MeSH D009386, MONDO:0015356.

Submissions (3):

Ambry Genetics
Classification: Likely benign for Hereditary cancer-predisposing syndrome. Last evaluated: 2026-05-04. Review status: criteria provided, single submitter. Criteria: Ambry Variant Classification Scheme 2023. Collection method: clinical testing. Allele origin: germline.

Labcorp Genetics (formerly Invitae), Labcorp
Classification: Uncertain significance for Hereditary breast ovarian cancer syndrome. Last evaluated: 2023-05-01. Review status: criteria provided, single submitter. Criteria: Invitae Variant Classification Sherloc (09022015). Collection method: clinical testing. Allele origin: germline.
Comment: This variant is not present in population databases (gnomAD no frequency). In summary, the available evidence is currently insufficient to determine the role of this variant in disease. Therefore, it has been classified as a Variant of Uncertain Significance. Advanced modeling of protein sequence and biophysical properties (such as structural, functional, and spatial information, amino acid conservation, physicochemical variation, residue mobility, and thermodynamic stability) performed at Invitae indicates that this missense variant is not expected to disrupt BRCA2 protein function. ClinVar contains an entry for this variant (Variation ID: 1492455). This variant has not been reported in the literature in individuals affected with BRCA2-related conditions. This sequence change replaces leucine, which is neutral and non-polar, with phenylalanine, which is neutral and non-polar, at codon 639 of the BRCA2 protein (p.Leu639Phe).

University of Washington Department of Laboratory Medicine, University of Washington
Classification: Likely benign for Hereditary cancer-predisposing syndrome. Last evaluated: 2023-03-23. Review status: criteria provided, single submitter. Criteria: Dines et al. (Genet Med. 2020). Collection method: curation. Allele origin: germline.
Comment: Missense variant in a coldspot region where missense variants are very unlikely to be pathogenic (PMID:31911673).

BRCA2 exon 11 coldspot. Reclassification based on statistical prior probability.